The following is an entry in ClinVar:

ClinVar aggregate classification (germline): Uncertain significance. Review status: criteria provided, multiple submitters, no conflicts (2 of 4 stars). 2 submissions from 2 submitters: Uncertain significance (2). Last evaluated 2023-05-10.

Conditions:
Tumor predisposition syndrome 3 (TPDS3). Also called: Melanoma, cutaneous malignant, susceptibility to, 10; Glioma susceptibility 9; LONG TELOMERE SYNDROME, POT1-RELATED; POT1 Tumor Predisposition. Identifiers: Orphanet 618, MedGen C4014476, MONDO:0014368, OMIM 615848.
Hereditary cancer-predisposing syndrome. Also called: Hereditary Cancer Syndrome; Hereditary neoplastic syndrome; Neoplastic Syndromes, Hereditary; Tumor predisposition. Identifiers: Orphanet 140162, MedGen C0027672, MeSH D009386, MONDO:0015356.

Submissions (2):

Ambry Genetics
Classification: Uncertain significance for Hereditary cancer-predisposing syndrome. Last evaluated: 2023-05-10. Review status: criteria provided, single submitter. Criteria: Ambry Variant Classification Scheme 2023. Collection method: clinical testing. Allele origin: germline.
Comment: The p.D219Y variant (also known as c.655G>T), located in coding exon 5 of the POT1 gene, results from a G to T substitution at nucleotide position 655. The aspartic acid at codon 219 is replaced by tyrosine, an amino acid with highly dissimilar properties. This amino acid position is highly conserved in available vertebrate species. In addition, this alteration is predicted to be deleterious by in silico analysis. Since supporting evidence is limited at this time, the clinical significance of this alteration remains unclear.

Labcorp Genetics (formerly Invitae), Labcorp
Classification: Uncertain significance for Tumor predisposition syndrome 3. Last evaluated: 2022-08-23. Review status: criteria provided, single submitter. Criteria: Invitae Variant Classification Sherloc (09022015). Collection method: clinical testing. Allele origin: germline.
Comment: This sequence change replaces aspartic acid, which is acidic and polar, with tyrosine, which is neutral and polar, at codon 219 of the POT1 protein (p.Asp219Tyr). This variant is not present in population databases (gnomAD no frequency). In summary, the available evidence is currently insufficient to determine the role of this variant in disease. Therefore, it has been classified as a Variant of Uncertain Significance. Algorithms developed to predict the effect of missense changes on protein structure and function (SIFT, PolyPhen-2, Align-GVGD) all suggest that this variant is likely to be disruptive. This variant has not been reported in the literature in individuals affected with POT1-related conditions.

NM_015450.3(POT1):c.655G>T (p.Asp219Tyr)

Gene: POT1 (protection of telomeres 1; minus strand). Cytogenetic location: 7q31.33.
Variant type: single nucleotide variant.
Coding change: c.655G>T on transcript NM_015450.3 (MANE Select); coding-DNA position 655, G replaced by T.
Protein change: p.Asp219Tyr; replaces aspartic acid 219 with tyrosine.
Molecular consequence: missense variant. On other transcripts: non-coding transcript variant (3).
Genome position (GRCh38, 1-based): chr7:124,859,004, C>A on the plus strand (G>T on the coding strand, the complement: POT1 is on the minus strand). VCF-style: chr7-124859004-C-A. GRCh37 (hg19) VCF-style: chr7-124499058-C-A.
Other names: c.655G>T (NM_015450.2); c.262G>T, p.Asp88Tyr (NM_001042594.2); short protein forms D219Y, D88Y.
Identifiers: ClinVar variation 1717580 (VCV001717580.7), dbSNP rs2116525572, ClinGen allele CA369056208.